The following is an entry in ClinVar:

NM_005188.3(CBL):c.-95_-94insGAC

Genes: CBL (Cbl proto-oncogene; plus strand), FRA11B (fragile site, folic acid type, rare, fra(11)(q23.3); plus strand), LOC130006894 (ATAC-STARR-seq lymphoblastoid silent region 3974; plus strand). Cytogenetic location: 11q23.3.
Variant type: Insertion.
Coding change: c.-95_-94insGAC on transcript NM_005188.3; 95 bases upstream of the start codon through 94 bases upstream of the start codon, GAC inserted.
Genome position: GRCh38 VCF-style: chr11-119206322-G-GCGA. GRCh37 (hg19) VCF-style: chr11-119077032-G-GCGA.
Identifiers: ClinVar variation 3029692 (VCV003029692.2), dbSNP rs994847890, ClinGen allele CA602578744.

ClinVar aggregate classification (germline): Uncertain significance (0 of 4 stars; one submission).

Conditions:
CBL-related disorder. Also called: NOONAN SYNDROME-LIKE DISORDER WITHOUT JUVENILE MYELOMONOCYTIC LEUKEMIA; CBL MUTATION-ASSOCIATED SYNDROME; CBL SYNDROME. Identifiers: Orphanet 363972, MedGen C3150803, MONDO:0013308, OMIM 613563.

Submission:

PreventionGenetics, part of Exact Sciences
Classification: Uncertain significance for CBL-related condition. Last evaluated: 2024-01-10. Review status: no assertion criteria provided. Collection method: clinical testing. Allele origin: germline.
Comment: The CBL c.-95_-94insGAC variant is located in the 5' untranslated region. To our knowledge, this variant has not been reported in the literature. This variant is reported in 0.035% of alleles in individuals of African descent in gnomAD. This variant falls within a highly paralogous region. Allele frequency data should be interpreted with caution. At this time, the clinical significance of this variant is uncertain due to the absence of conclusive functional and genetic evidence.